The following is an entry in ClinVar:

ClinVar aggregate classification (germline): Uncertain significance (1 of 4 stars; one submission).

Conditions:
Inborn genetic diseases. Identifiers: MedGen C0950123, MeSH D030342.

Submission:

Ambry Genetics
Classification: Uncertain significance for Inborn genetic diseases. Last evaluated: 2025-05-21. Review status: criteria provided, single submitter. Criteria: Ambry Variant Classification Scheme 2023. Collection method: clinical testing. Allele origin: germline.
Comment: The p.G1539R variant (also known as c.4615G>A), located in coding exon 1 of the SAMD9L gene, results from a G to A substitution at nucleotide position 4615. The glycine at codon 1539 is replaced by arginine, an amino acid with dissimilar properties. This amino acid position is conserved. In addition, the in silico prediction for this alteration is inconclusive. Based on the available evidence, the clinical significance of this variant remains unclear.

NM_152703.5(SAMD9L):c.4615G>A (p.Gly1539Arg)

Gene: SAMD9L (sterile alpha motif domain containing 9 like; minus strand). Cytogenetic location: 7q21.2.
Variant type: single nucleotide variant.
Coding change: c.4615G>A on transcript NM_152703.5 (MANE Select); coding-DNA position 4615, G replaced by A.
Protein change: p.Gly1539Arg; replaces glycine 1539 with arginine.
Molecular consequence: missense variant.
Genome position (GRCh38, 1-based): chr7:93,131,357, C>T on the plus strand (G>A on the coding strand, the complement: SAMD9L is on the minus strand). VCF-style: chr7-93131357-C-T. GRCh37 (hg19) VCF-style: chr7-92760670-C-T.
Other names: c.4615G>A, p.Gly1539Arg (NM_001303496.3, NM_001303497.3, NM_001303498.3 and 5 more transcripts); short protein forms G1539R.
Identifiers: ClinVar variation 3949947 (VCV003949947.1).